The following is an entry in ClinVar:

ClinVar aggregate classification (germline): Benign. Review status: criteria provided, multiple submitters, no conflicts (2 of 4 stars). 2 submissions from 2 submitters: Benign (2). Last evaluated 2026-04-02.

Conditions:
Ichthyosis linearis circumflexa. Identifiers: MedGen C0265962, MONDO:0043106, HP:0025810.

Allele frequency attached by ClinVar (database versions not stated): gnomAD exomes 0.00073; gnomAD 0.00009; ExAC 0.00069.

Submissions (2):

Women's Health and Genetics/Laboratory Corporation of America, LabCorp
Classification: Benign. Last evaluated: 2026-04-02. Review status: criteria provided, single submitter. Criteria: LabCorp Variant Classification Summary - May 2015. Collection method: clinical testing. Allele origin: germline.
Comment: Variant summary: SPINK5 c.2667-17_2667-16insG alters a non-conserved nucleotide located at a position not widely known to affect splicing. Several computational tools predict a significant impact on normal splicing: Three predict the variant weakens a canonical 3' acceptor site and one predicts the variant has no significant impact on splicing. However, these predictions have yet to be confirmed by functional studies. The variant allele was found at a frequency of 0.00073 in 194950 control chromosomes, predominantly at a frequency of 0.0054 within the Latino subpopulation in the gnomAD database, including 5 homozygotes. The observed variant frequency within Latino control individuals in the gnomAD database exceeds the estimated maximal expected allele frequency for disease-causing variants in SPINK5. To our knowledge, no occurrence of c.2667-17_2667-16insG in individuals affected with SPINK5-related conditions and no experimental evidence demonstrating its impact on protein function have been reported. ClinVar contains an entry for this variant (Variation ID: 1638679). Based on the evidence outlined above, the variant was classified as benign.

Labcorp Genetics (formerly Invitae), Labcorp
Classification: Benign for Ichthyosis linearis circumflexa. Last evaluated: 2026-02-01. Review status: criteria provided, single submitter. Criteria: Invitae Variant Classification Sherloc (09022015). Collection method: clinical testing. Allele origin: germline.

NM_006846.4(SPINK5):c.2667-17_2667-16insG

Gene: SPINK5 (serine peptidase inhibitor Kazal type 5; plus strand). Cytogenetic location: 5q32.
Variant type: Insertion.
Coding change: c.2667-17_2667-16insG on transcript NM_006846.4 (MANE Select); 17 bases into the intron before coding-DNA position 2667 through 16 bases into the intron before coding-DNA position 2667, G inserted.
Molecular consequence: intron variant.
Genome position: GRCh38 VCF-style: chr5-148124748-T-TG. GRCh37 (hg19) VCF-style: chr5-147504311-T-TG.
Other names: c.2667-17_2667-16insG (NM_001127698.2, NM_001127699.2).
Identifiers: ClinVar variation 1638679 (VCV001638679.9), dbSNP rs754273587, ClinGen allele CA3496070.
Genomic context (GRCh38, chr5:148,124,748, plus strand): 5'-CAGAAATACTTGGTTAAAGACAATTCAGTAACAACCCTTGAAAAATTACCCTATCTTTTT[T>TG]TTTAATTATTCTGCAGTGATCGAGAAGCTAATGAAAGAAAAAAGAAAGATGAAGAGAAAT-3'